The following is an entry in ClinVar:

ClinVar aggregate classification (germline): Uncertain significance (1 of 4 stars; one submission).

Submission:

GeneDx
Classification: Uncertain significance. Last evaluated: 2024-07-09. Review status: criteria provided, single submitter. Criteria: GeneDx Variant Classification Process June 2021. Collection method: clinical testing. Allele origin: germline. Affected: yes.
Comment: Not observed at significant frequency in large population cohorts (gnomAD); In silico analysis indicates that this missense variant does not alter protein structure/function; Has not been previously published as pathogenic or benign to our knowledge

NM_001394372.1(BICRA):c.2057C>G (p.Thr686Ser)

Gene: BICRA (BRD4 interacting chromatin remodeling complex associated protein; plus strand). Cytogenetic location: 19q13.33.
Variant type: single nucleotide variant.
Coding change: c.2057C>G on transcript NM_001394372.1 (MANE Select); coding-DNA position 2057, C replaced by G.
Protein change: p.Thr686Ser; replaces threonine 686 with serine.
Molecular consequence: missense variant.
Genome position (GRCh38, 1-based): chr19:47,681,227, C>G. VCF-style: chr19-47681227-C-G. GRCh37 (hg19) VCF-style: chr19-48184484-C-G.
Other names: c.2057C>G, p.Thr686Ser (NM_015711.3); short protein forms T686S.
Identifiers: ClinVar variation 3572616 (VCV003572616.1).